The following is an entry in ClinVar:

ClinVar aggregate classification (germline): Uncertain significance. Review status: criteria provided, multiple submitters, no conflicts (2 of 4 stars). 2 submissions from 2 submitters: Uncertain significance (2). Last evaluated 2025-01-14.

Allele frequency attached by ClinVar (database versions not stated): gnomAD exomes below 0.00001; TOPMed below 0.00001; ExAC 0.00001; gnomAD 0.00001.
gnomAD v4.1: 2 of 1,613,712 alleles (0.00012%); highest among the groups gnomAD compares: African/African-American, 0.0027%; no homozygotes.

Submissions (2):

Ambry Genetics
Classification: Uncertain significance. Last evaluated: 2025-01-14. Review status: criteria provided, single submitter. Criteria: Ambry Variant Classification Scheme 2023. Collection method: clinical testing. Allele origin: germline.

Labcorp Genetics (formerly Invitae), Labcorp
Classification: Uncertain significance. Last evaluated: 2022-03-11. Review status: criteria provided, single submitter. Criteria: Invitae Variant Classification Sherloc (09022015). Collection method: clinical testing. Allele origin: germline.
Comment: This sequence change replaces histidine, which is basic and polar, with tyrosine, which is neutral and polar, at codon 397 of the POC5 protein (p.His397Tyr). This variant is not present in population databases (gnomAD no frequency). This variant has not been reported in the literature in individuals affected with POC5-related conditions. Algorithms developed to predict the effect of missense changes on protein structure and function are either unavailable or do not agree on the potential impact of this missense change (SIFT: "Not Available"; PolyPhen-2: "Possibly Damaging"; Align-GVGD: "Not Available"). In summary, the available evidence is currently insufficient to determine the role of this variant in disease. Therefore, it has been classified as a Variant of Uncertain Significance.

NM_001099271.2(POC5):c.1189C>T (p.His397Tyr)

Gene: POC5 (POC5 centriolar protein; minus strand). Cytogenetic location: 5q13.3.
Variant type: single nucleotide variant.
Coding change: c.1189C>T on transcript NM_001099271.2 (MANE Select); coding-DNA position 1189, C replaced by T.
Protein change: p.His397Tyr; replaces histidine 397 with tyrosine.
Molecular consequence: missense variant.
Genome position (GRCh38, 1-based): chr5:75,685,425, G>A on the plus strand (C>T on the coding strand, the complement: POC5 is on the minus strand). VCF-style: chr5-75685425-G-A. GRCh37 (hg19) VCF-style: chr5-74981250-G-A.
Other names: c.1189C>T (NM_001099271.1); c.1114C>T, p.His372Tyr (NM_152408.3); short protein forms H372Y, H397Y.
Identifiers: ClinVar variation 1923550 (VCV001923550.6), dbSNP rs778524728, ClinGen allele CA3310376.